The following is an entry in ClinVar:

NM_000891.3(KCNJ2):c.431G>A (p.Gly144Asp)

Gene: KCNJ2 (potassium inwardly rectifying channel subfamily J member 2; plus strand). Cytogenetic location: 17q24.3.
Variant type: single nucleotide variant.
Coding change: c.431G>A on transcript NM_000891.3 (MANE Select); coding-DNA position 431, G replaced by A.
Protein change: p.Gly144Asp; replaces glycine 144 with aspartic acid.
Molecular consequence: missense variant.
Genome position (GRCh38, 1-based): chr17:70,175,470, G>A. VCF-style: chr17-70175470-G-A. GRCh37 (hg19) VCF-style: chr17-68171611-G-A.
Other names: c.431G>A (LRG_328t1); short protein forms G144D.
Identifiers: ClinVar variation 67574 (VCV000067574.14), dbSNP rs199473377, ClinGen allele CA329669.

ClinVar aggregate classification (germline): Pathogenic. Review status: criteria provided, multiple submitters, no conflicts (2 of 4 stars). 3 submissions from 3 submitters: Pathogenic (2). 1 of the submissions does not count toward it. Last evaluated 2023-07-07.

Conditions:
Short QT syndrome type 1. Identifiers: Orphanet 51083, MedGen C1865020, MONDO:0012312, OMIM 609620.
Andersen Tawil syndrome (LQT7). Also called: ANDERSEN CARDIODYSRHYTHMIC PERIODIC PARALYSIS; Andersen Syndrome; Potassium-sensitive periodic paralysis, ventricular ectopy, and dysmorphic features; LONG QT SYNDROME 7; PERIODIC PARALYSIS, POTASSIUM-SENSITIVE CARDIODYSRHYTHMIC TYPE. Identifiers: Orphanet 37553, MedGen C1563715, MONDO:0008222, OMIM 170390.
Atrial fibrillation, familial, 1. Also called: ATFB1; ATRIAL FIBRILLATION, AUTOSOMAL DOMINANT. Identifiers: MedGen C1843687, MONDO:0012066, OMIM 608583.
Familial long QT syndrome (RWS). Also called: Congenital long QT syndrome; Romano-Ward syndrome; VENTRICULAR FIBRILLATION WITH PROLONGED QT INTERVAL. Identifiers: Orphanet 768, MedGen C1141890, MONDO:0019171.
Atrial fibrillation, familial, 9 (ATFB9). Identifiers: MedGen C3151431, MONDO:0013513, OMIM 613980.
Short QT syndrome type 3. Identifiers: Orphanet 51083, MedGen C1865018, MONDO:0012314, OMIM 609622.

Submissions (3):

Labcorp Genetics (formerly Invitae), Labcorp
Classification: Pathogenic for Short QT syndrome type 3; Andersen Tawil syndrome. Last evaluated: 2023-07-07. Review status: criteria provided, single submitter. Criteria: Invitae Variant Classification Sherloc (09022015). Collection method: clinical testing. Allele origin: germline.
Comment: For these reasons, this variant has been classified as Pathogenic. This sequence change replaces glycine, which is neutral and non-polar, with aspartic acid, which is acidic and polar, at codon 144 of the KCNJ2 protein (p.Gly144Asp). This variant is not present in population databases (gnomAD no frequency). This variant disrupts the p.Gly144 amino acid residue in KCNJ2. Other variant(s) that disrupt this residue have been determined to be pathogenic (PMID: 11371347, 12163457, 12909315, 14522976, 22002906, 22589293). This suggests that this residue is clinically significant, and that variants that disrupt this residue are likely to be disease-causing. Experimental studies have shown that this missense change affects KCNJ2 function (PMID: 22589293). Advanced modeling of protein sequence and biophysical properties (such as structural, functional, and spatial information, amino acid conservation, physicochemical variation, residue mobility, and thermodynamic stability) performed at Invitae indicates that this missense variant is expected to disrupt KCNJ2 protein function. ClinVar contains an entry for this variant (Variation ID: 67574). This missense change has been observed in individual(s) with Anderson-Tawil syndrome and catecholaminergic polymorphic ventricular tachycardia (PMID: 20382953, 22589293, 23595086). In at least one individual the variant was observed to be de novo.

GeneDx
Classification: Pathogenic. Last evaluated: 2021-04-20. Review status: criteria provided, single submitter. Criteria: GeneDx Variant Classification Process June 2021. Collection method: clinical testing. Allele origin: germline. Affected: yes.
Comment: Reported in an individual with catecholaminergic polymorphic ventricular tachycardia, syncope, and aborted cardiac arrest (Kimura et al., 2012); Published functional studies demonstrate impaired channel function with dominant negative current reduction (Kimura et al., 2012); Not observed in large population cohorts (Lek et al., 2016); This variant is associated with the following publications: (PMID: 29353185, 24025405, 23595086, 20382953, 22589293, 22581653)

Cardiovascular Biomedical Research Unit, Royal Brompton & Harefield NHS Foundation Trust
No classification provided. Condition: Familial long QT syndrome. Review status: no classification provided. Collection method: literature only. Allele origin: germline. Not counted in ClinVar's aggregate classification.
Comment: This variant has been reported in the following publications (PMID:20382953).

Literature cited by the submitters: PubMed 11371347 (cited by Labcorp Genetics (formerly Invitae), Labcorp); PubMed 12163457 (cited by Labcorp Genetics (formerly Invitae), Labcorp); PubMed 12909315 (cited by Labcorp Genetics (formerly Invitae), Labcorp); PubMed 14522976 (cited by Labcorp Genetics (formerly Invitae), Labcorp); PubMed 22002906 (cited by Labcorp Genetics (formerly Invitae), Labcorp); PubMed 22589293 (cited by Labcorp Genetics (formerly Invitae), Labcorp); PubMed 20382953 (cited by Labcorp Genetics (formerly Invitae), Labcorp and Cardiovascular Biomedical Research Unit, Royal Brompton & Harefield NHS Foundation Trust); PubMed 23595086 (cited by Labcorp Genetics (formerly Invitae), Labcorp); PubMed 22581653 (cited by Cardiovascular Biomedical Research Unit, Royal Brompton & Harefield NHS Foundation Trust).